The following is an entry in ClinVar:

NM_000138.5(FBN1):c.8059_8060del (p.Val2687fs)

Gene: FBN1 (fibrillin 1; minus strand). Cytogenetic location: 15q21.1.
Variant type: Microsatellite.
Coding change: c.8059_8060del on transcript NM_000138.5 (MANE Select); coding-DNA positions 8059 to 8060, 2 bases deleted (GT; older notation c.8059_8060delGT).
Protein change: p.Val2687fs; shifts the reading frame from valine 2687.
Molecular consequence: frameshift variant.
Genome position (GRCh38, 1-based): chr15:48,412,735-48,412,736, AC deleted on the plus strand (GT on the coding strand, the reverse complement: FBN1 is on the minus strand); deleting any 2 consecutive bases within chr15:48,412,735-48,412,739 gives the same sequence; the c. name uses the placement nearest the transcript's 3' end. VCF-style (leftmost placement, unchanged base first): chr15-48412734-AAC-A. GRCh37 (hg19) VCF-style: chr15-48704931-AAC-A.
Other names: short protein forms V2687fs.
Identifiers: ClinVar variation 870214 (VCV000870214.6), dbSNP rs2042873946, ClinGen allele CA916082399.

ClinVar aggregate classification (germline): Pathogenic. Review status: criteria provided, multiple submitters, no conflicts (2 of 4 stars). 3 submissions from 3 submitters: Pathogenic (2). 1 of the submissions does not count toward it. Last evaluated 2025-12-01.

Conditions:
Familial thoracic aortic aneurysm and aortic dissection (TAAD). Also called: Thoracic aortic aneurysms and dissections. Identifiers: Orphanet 91387, MedGen C4707243, MONDO:0019625.
Marfan syndrome (MFS). Also called: FBN1-Related Marfan Syndrome; Marfan's syndrome; MARFAN SYNDROME, TYPE I; Marfan syndrome type 1; Marfan syndrome, classic. Identifiers: Orphanet 284963, Orphanet 558, MedGen C0024796, MONDO:0007947, OMIM 154700.

Submissions (3):

Labcorp Genetics (formerly Invitae), Labcorp
Classification: Pathogenic for Marfan syndrome; Familial thoracic aortic aneurysm and aortic dissection. Last evaluated: 2025-12-01. Review status: criteria provided, single submitter. Criteria: Invitae Variant Classification Sherloc (09022015). Collection method: clinical testing. Allele origin: germline.
Comment: This sequence change creates a premature translational stop signal (p.Val2687Phefs*17) in the FBN1 gene. It is expected to result in an absent or disrupted protein product. Loss-of-function variants in FBN1 are known to be pathogenic (PMID: 17657824, 19293843). This variant is not present in population databases (gnomAD no frequency). This variant has not been reported in the literature in individuals affected with FBN1-related conditions. For these reasons, this variant has been classified as Pathogenic.

Ambry Genetics
Classification: Pathogenic for Familial thoracic aortic aneurysm and aortic dissection. Last evaluated: 2021-07-12. Review status: criteria provided, single submitter. Criteria: Ambry Variant Classification Scheme 2023. Collection method: clinical testing. Allele origin: germline.
Comment: The c.8059_8060delGT pathogenic mutation, located in coding exon 64 of the FBN1 gene, results from a deletion of two nucleotides between nucleotide positions 8059 and 8060, causing a translational frameshift with a predicted alternate stop codon (p.V2687Ffs*17). A similar variant, reported as c.8056_8057delTG, has been detected in an individual with aortic dilation and systemic features of Marfan syndrome (Zarate YA et al. Genet Med. 2016 Apr;18(4):356-63). This alteration is expected to result in loss of function by premature protein truncation or nonsense-mediated mRNA decay. As such, this alteration is interpreted as a disease-causing mutation.

Clinical Molecular Genetics Laboratory, Johns Hopkins All Children's Hospital
Classification: Pathogenic for Marfan syndrome. Last evaluated: 2017-04-21. Review status: no assertion criteria provided. Collection method: clinical testing. Allele origin: germline. Inheritance: Autosomal dominant inheritance. Affected: yes. Observed: 1 heterozygote. Not counted in ClinVar's aggregate classification.

Literature cited by the submitters: PubMed 17657824 (cited by Labcorp Genetics (formerly Invitae), Labcorp); PubMed 19293843 (cited by Labcorp Genetics (formerly Invitae), Labcorp); PubMed 26133393 (cited by Ambry Genetics).